The following is an entry in ClinVar:

NM_002661.5(PLCG2):c.867G>A (p.Glu289=)

Gene: PLCG2 (phospholipase C gamma 2; plus strand). Cytogenetic location: 16q23.3.
Variant type: single nucleotide variant.
Coding change: c.867G>A on transcript NM_002661.5 (MANE Select); coding-DNA position 867, G replaced by A.
Protein change: p.Glu289=; no amino-acid change (glutamic acid 289 retained).
Molecular consequence: synonymous variant.
Genome position (GRCh38, 1-based): chr16:81,889,273, G>A. VCF-style: chr16-81889273-G-A. GRCh37 (hg19) VCF-style: chr16-81922878-G-A.
Other names: c.867G>A, p.Glu289= (NM_001425749.1, NM_001425750.1, NM_001425751.1).
Identifiers: ClinVar variation 3699153 (VCV003699153.2).

ClinVar aggregate classification (germline): Uncertain significance (1 of 4 stars; one submission).

Conditions:
Familial cold autoinflammatory syndrome 3 (FCAS3). Also called: FAMILIAL ATYPICAL COLD URTICARIA; ANTIBODY DEFICIENCY AND IMMUNE DYSREGULATION, PLCG2-ASSOCIATED. Identifiers: Orphanet 300359, MedGen C3280914, MONDO:0013766, OMIM 614468.

Submission:

Labcorp Genetics (formerly Invitae), Labcorp
Classification: Uncertain significance for Familial cold autoinflammatory syndrome 3. Last evaluated: 2024-05-08. Review status: criteria provided, single submitter. Criteria: Invitae Variant Classification Sherloc (09022015). Collection method: clinical testing. Allele origin: germline.
Comment: This sequence change affects codon 289 of the PLCG2 mRNA. It is a 'silent' change, meaning that it does not change the encoded amino acid sequence of the PLCG2 protein. This variant also falls at the last nucleotide of exon 10, which is part of the consensus splice site for this exon. This variant is not present in population databases (gnomAD no frequency). This variant has not been reported in the literature in individuals affected with PLCG2-related conditions. Variants that disrupt the consensus splice site are a relatively common cause of aberrant splicing (PMID: 17576681, 9536098). Algorithms developed to predict the effect of sequence changes on RNA splicing suggest that this variant is not likely to affect RNA splicing. In summary, the available evidence is currently insufficient to determine the role of this variant in disease. Therefore, it has been classified as a Variant of Uncertain Significance.

Literature cited by the submitters: PubMed 17576681; PubMed 9536098.